The following is an entry in ClinVar:

ClinVar aggregate classification (germline): Pathogenic. Review status: criteria provided, multiple submitters, no conflicts (2 of 4 stars). 2 submissions from 2 submitters: Pathogenic (2). Last evaluated 2025-11-03.

Conditions:
Neurofibromatosis, type 1 (NF1). Also called: VON RECKLINGHAUSEN DISEASE; Neurofibromatosis, type I; Peripheral type neurofibromatosis; NEUROFIBROMATOSIS, TYPE I, SOMATIC. Identifiers: Orphanet 636, MedGen C0027831, MONDO:0018975, OMIM 162200. Disease mechanism: loss of function.

Submissions (2):

Labcorp Genetics (formerly Invitae), Labcorp
Classification: Pathogenic for Neurofibromatosis, type 1. Last evaluated: 2025-11-03. Review status: criteria provided, single submitter. Criteria: Invitae Variant Classification Sherloc (09022015). Collection method: clinical testing. Allele origin: germline.
Comment: This sequence change falls in intron 4 of the NF1 gene. It does not directly change the encoded amino acid sequence of the NF1 protein. RNA analysis indicates that this variant induces altered splicing and may result in an absent or altered protein product. This variant is not present in population databases (gnomAD no frequency). This variant has been observed in individual(s) with NF1-related conditions (PMID: 17311297, 32552793; internal data). ClinVar contains an entry for this variant (Variation ID: 1525312). Variants that disrupt the consensus splice site are a relatively common cause of aberrant splicing (PMID: 17576681, 9536098). Studies have shown that this variant results in skipping of exon 4a, and produces a non-functional protein and/or introduces a premature termination codon (PMID: 17311297). This variant disrupts the c.479+5G nucleotide in the NF1 gene. Other variant(s) that disrupt this nucleotide have been determined to be pathogenic (PMID: 23758643, 27322474). This suggests that this nucleotide is clinically significant, and that variants that disrupt this position are likely to be disease-causing. For these reasons, this variant has been classified as Pathogenic.

GeneDx
Classification: Pathogenic. Last evaluated: 2025-02-20. Review status: criteria provided, single submitter. Criteria: GeneDx Variant Classification Process June 2021. Collection method: clinical testing. Allele origin: germline. Affected: yes.
Comment: Non-canonical splice site variant demonstrated to result in loss of function (PMID: 17311297); Not observed at significant frequency in large population cohorts (gnomAD); This variant is associated with the following publications: (PMID: 37644014, 17311297, 32552793, 37562365)

Literature cited by the submitters: PubMed 17311297 (cited by Labcorp Genetics (formerly Invitae), Labcorp); PubMed 32552793 (cited by Labcorp Genetics (formerly Invitae), Labcorp); PubMed 17576681 (cited by Labcorp Genetics (formerly Invitae), Labcorp); PubMed 9536098 (cited by Labcorp Genetics (formerly Invitae), Labcorp); PubMed 23758643 (cited by Labcorp Genetics (formerly Invitae), Labcorp); PubMed 27322474 (cited by Labcorp Genetics (formerly Invitae), Labcorp).

NM_001042492.3(NF1):c.479+5G>C

Gene: NF1 (neurofibromin 1; plus strand). Cytogenetic location: 17q11.2.
Variant type: single nucleotide variant.
Coding change: c.479+5G>C on transcript NM_001042492.3 (MANE Select); 5 bases into the intron after coding-DNA position 479, G replaced by C.
Molecular consequence: intron variant.
Genome position (GRCh38, 1-based): chr17:31,163,381, G>C. VCF-style: chr17-31163381-G-C. GRCh37 (hg19) VCF-style: chr17-29490399-G-C.
Other names: c.479+5G>C (NM_000267.4, NM_001128147.3).
Identifiers: ClinVar variation 1525312 (VCV001525312.7), dbSNP rs1567818033, ClinGen allele CA658761118.